The following is an entry in ClinVar:

NM_016169.4(SUFU):c.410C>T (p.Pro137Leu)

Gene: SUFU (SUFU negative regulator of hedgehog signaling; plus strand). Cytogenetic location: 10q24.32.
Variant type: single nucleotide variant.
Coding change: c.410C>T on transcript NM_016169.4 (MANE Select); coding-DNA position 410, C replaced by T.
Protein change: p.Pro137Leu; replaces proline 137 with leucine.
Molecular consequence: missense variant.
Genome position (GRCh38, 1-based): chr10:102,550,062, C>T. VCF-style: chr10-102550062-C-T. GRCh37 (hg19) VCF-style: chr10-104309819-C-T.
Other names: c.410C>T, p.Pro137Leu (NM_001178133.2); short protein forms P137L.
Identifiers: ClinVar variation 5030375 (VCV005030375.1).

ClinVar aggregate classification (germline): Uncertain significance (1 of 4 stars; one submission).

Conditions:
Hereditary cancer-predisposing syndrome. Also called: Neoplastic Syndromes, Hereditary; Tumor predisposition; Hereditary neoplastic syndrome; Hereditary Cancer Syndrome. Identifiers: Orphanet 140162, MedGen C0027672, MeSH D009386, MONDO:0015356.

Submission:

Ambry Genetics
Classification: Uncertain significance for Hereditary cancer-predisposing syndrome. Last evaluated: 2026-07-06. Review status: criteria provided, single submitter. Criteria: Ambry Variant Classification Scheme 2023. Collection method: clinical testing. Allele origin: germline.
Comment: The p.P137L variant (also known as c.410C>T), located in coding exon 3 of the SUFU gene, results from a C to T substitution at nucleotide position 410. The proline at codon 137 is replaced by leucine, an amino acid with similar properties. This amino acid position is conserved. In addition, this alteration is predicted to be deleterious by in silico analysis. Based on the available evidence, the clinical significance of this variant remains unclear.